The following is an entry in ClinVar:

ClinVar aggregate classification (germline): Pathogenic. Review status: criteria provided, multiple submitters, no conflicts (2 of 4 stars). 3 submissions from 3 submitters: Pathogenic (3). Last evaluated 2025-02-18.

Conditions:
NDP-related disorders.
Retinal dystrophy. Also called: Inherited retinal dystrophy. Identifiers: Orphanet 71862, MedGen C0854723, MeSH D058499, MONDO:0019118, HP:0000556.

Submissions (3):

GeneDx
Classification: Pathogenic. Last evaluated: 2025-02-18. Review status: criteria provided, single submitter. Criteria: GeneDx Variant Classification Process June 2021. Collection method: clinical testing. Allele origin: germline. Affected: yes.
Comment: Observed in patients with Norrie disease or unspecified retinal disease in the published literature (PMID: 20340138, 36460718); Frameshift variant predicted to result in protein truncation or nonsense mediated decay in a gene for which loss of function is a known mechanism of disease; Not observed at significant frequency in large population cohorts (gnomAD); This variant is associated with the following publications: (PMID: 20340138, 36460718)

Blueprint Genetics
Classification: Pathogenic for NDP-related disorders. Last evaluated: 2024-08-07. Review status: criteria provided, single submitter. Criteria: ACMG Guidelines, 2015. Collection method: clinical testing. Allele origin: germline. Affected: yes. Observed: 2 variant alleles.

Institute of Human Genetics, Univ. Regensburg, Univ. Regensburg
Classification: Pathogenic for Retinal dystrophy. Last evaluated: 2015-01-01. Review status: criteria provided, single submitter. Criteria: ACMG Guidelines, 2015. Collection method: clinical testing. Allele origin: germline. Affected: yes.

Literature cited by the submitters: PubMed 20340138 (cited by Institute of Human Genetics, Univ. Regensburg, Univ. Regensburg); PubMed 3646071 (cited by Institute of Human Genetics, Univ. Regensburg, Univ. Regensburg).

NM_000266.4(NDP):c.11_12del (p.His4fs)

Genes: NDP (norrin cystine knot growth factor NDP; minus strand), NDP-AS1 (NDP antisense RNA 1; plus strand). Cytogenetic location: Xp11.3.
Variant type: Deletion.
Coding change: c.11_12del on transcript NM_000266.4 (MANE Select); coding-DNA positions 11 to 12, 2 bases deleted (AT; older notation c.11_12delAT).
Protein change: p.His4fs; shifts the reading frame from histidine 4.
Molecular consequence: frameshift variant.
Genome position (GRCh38, 1-based): chrX:43,958,634-43,958,635, AT deleted on the plus strand (AT on the coding strand, the reverse complement: NDP is on the minus strand). VCF-style (leftmost placement, unchanged base first): chrX-43958633-CAT-C. GRCh37 (hg19) VCF-style: chrX-43817879-CAT-C.
Other names: c.11_12del (NM_000266.3); short protein forms H4fs.
Identifiers: ClinVar variation 3249742 (VCV003249742.3).